The following is an entry in ClinVar:

ClinVar aggregate classification (germline): Likely pathogenic. Review status: criteria provided, single submitter (1 of 4 stars). 2 submissions from 2 submitters: Likely pathogenic (1). 1 of the submissions does not count toward it. Last evaluated 2025-12-15.

Conditions:
Bardet-Biedl syndrome (BBS). Identifiers: Orphanet 110, MedGen C0752166, MONDO:0015229.
Bardet-Biedl syndrome 2 (BBS2). Identifiers: Orphanet 110, MedGen C2936863, MONDO:0014432, OMIM 615981.

Allele frequency attached by ClinVar (database versions not stated): TOPMed below 0.00001.

Submissions (2):

Labcorp Genetics (formerly Invitae), Labcorp
Classification: Likely pathogenic for Bardet-Biedl syndrome. Last evaluated: 2025-12-15. Review status: criteria provided, single submitter. Criteria: Invitae Variant Classification Sherloc (09022015). Collection method: clinical testing. Allele origin: germline.
Comment: This sequence change affects an acceptor splice site in intron 1 of the BBS2 gene. It is expected to disrupt RNA splicing. Variants that disrupt the donor or acceptor splice site typically lead to a loss of protein function (PMID: 16199547), and loss-of-function variants in BBS2 are known to be pathogenic (PMID: 11285252, 20177705, 24608809, 26518167). This variant is not present in population databases (gnomAD no frequency). Disruption of this splice site has been observed in individual(s) with clinical features of Bardet-Biedl syndrome (PMID: 11567139). This variant is also known as IVS1-1G-.C. ClinVar contains an entry for this variant (Variation ID: 4579). Algorithms developed to predict the effect of sequence changes on RNA splicing suggest that this variant may disrupt the consensus splice site. In summary, the currently available evidence indicates that the variant is pathogenic, but additional data are needed to prove that conclusively. Therefore, this variant has been classified as Likely Pathogenic.

OMIM
Classification: Pathogenic for BARDET-BIEDL SYNDROME 2. Last evaluated: 2001-09-21. Review status: no assertion criteria provided. Collection method: literature only. Allele origin: germline. Not counted in ClinVar's aggregate classification.

Literature cited by the submitters: PubMed 16199547 (cited by Labcorp Genetics (formerly Invitae), Labcorp); PubMed 11285252 (cited by Labcorp Genetics (formerly Invitae), Labcorp); PubMed 20177705 (cited by Labcorp Genetics (formerly Invitae), Labcorp); PubMed 24608809 (cited by Labcorp Genetics (formerly Invitae), Labcorp); PubMed 26518167 (cited by Labcorp Genetics (formerly Invitae), Labcorp); PubMed 11567139 (cited by Labcorp Genetics (formerly Invitae), Labcorp and OMIM).

NM_031885.5(BBS2):c.118-1G>C

Gene: BBS2 (Bardet-Biedl syndrome 2; minus strand). Cytogenetic location: 16q13.
Variant type: single nucleotide variant.
Coding change: c.118-1G>C on transcript NM_031885.5 (MANE Select); the canonical splice acceptor site of the intron before coding-DNA position 118, G replaced by C.
Molecular consequence: splice acceptor variant.
Genome position (GRCh38, 1-based): chr16:56,514,681, C>G on the plus strand (G>C on the coding strand, the complement: BBS2 is on the minus strand). VCF-style: chr16-56514681-C-G. GRCh37 (hg19) VCF-style: chr16-56548593-C-G.
Other names: IVS1AS, G-C, -1; c.118-1G>C (NM_001377456.1).
Identifiers: ClinVar variation 4579 (VCV000004579.2), dbSNP rs587777825, ClinGen allele CA253239.
Genomic context (GRCh38, chr16:56,514,681, plus strand): 5'-CTGGAAGACCCTGGATGCACTGACATGCTGGTTCCGTGTATGAGGATTATGAATAAAAAC[C>G]TGAAACAAAAATAACTAATTACATTCCCTTAAAATATAAAAAATTAGTATCATACATTTT-3'